The following is an entry in ClinVar:

ClinVar aggregate classification (germline): Conflicting classifications of pathogenicity. Review status: criteria provided, conflicting classifications (1 of 4 stars). 9 submissions from 8 submitters: Uncertain significance (7); Likely benign (1). 1 of the submissions does not count toward it. Last evaluated 2026-07-21.

Conditions:
Inborn genetic diseases. Identifiers: MedGen C0950123, MeSH D030342.
Nephronophthisis. Also called: Juvenile Nephronophthisis. Identifiers: Orphanet 655, MedGen C0687120, MONDO:0019005, HP:0000090.
Senior-Loken syndrome 4 (SLSN4). Identifiers: Orphanet 3156, MedGen C1846979, MONDO:0011756, OMIM 606996.
Nephronophthisis 4 (NPHP4). Also called: NEPHRONOPHTHISIS 4, JUVENILE. Identifiers: Orphanet 655, MedGen C1847013, MONDO:0011752, OMIM 606966.
NPHP4-related disorder. Also called: NPHP4-related disorders; NPHP4-related condition. Identifiers: MedGen CN239384.

Allele frequency attached by ClinVar (database versions not stated): ESP Exome Variant Server 0.00016; TOPMed 0.00023; ExAC 0.00025; gnomAD 0.00025 and 0.00027; gnomAD exomes 0.00025; 1000 Genomes Project 30x 0.00047; 1000 Genomes Project 0.00060.
gnomAD v4.1: 404 of 1,613,950 alleles (0.025%); highest among the groups gnomAD compares: Admixed American, 0.047%; 1 homozygote.

Submissions (9):

PreventionGenetics, part of Exact Sciences
Classification: Uncertain significance for NPHP4-related condition. Last evaluated: 2026-07-21. Review status: criteria provided, single submitter. Criteria: ACMG Guidelines, 2015. Collection method: clinical testing. Allele origin: germline.
Comment: The NPHP4 c.1114G>A variant is predicted to result in the amino acid substitution p.Gly372Ser. To our knowledge, this variant has not been reported in the literature. This variant is reported in 0.049% of alleles in individuals of South Asian descent in gnomAD. At this time, the clinical significance of this variant is uncertain due to the absence of conclusive functional and genetic evidence.

Ambry Genetics
Classification: Uncertain significance for Inborn genetic diseases. Last evaluated: 2025-10-29. Review status: criteria provided, single submitter. Criteria: Ambry Variant Classification Scheme 2023. Collection method: clinical testing. Allele origin: germline.

Blueprint Genetics
Classification: Likely benign. Last evaluated: 2024-07-23. Review status: criteria provided, single submitter. Criteria: ACMG Guidelines, 2015. Collection method: clinical testing. Allele origin: germline.

Fulgent Genetics
Classification: Uncertain significance for Nephronophthisis 4; Senior-Loken syndrome 4. Last evaluated: 2024-05-15. Review status: criteria provided, single submitter. Criteria: ACMG Guidelines, 2015. Collection method: clinical testing. Allele origin: germline.

Labcorp Genetics (formerly Invitae), Labcorp
Classification: Uncertain significance for Nephronophthisis. Last evaluated: 2023-11-06. Review status: criteria provided, single submitter. Criteria: Invitae Variant Classification Sherloc (09022015). Collection method: clinical testing. Allele origin: germline.
Comment: This sequence change replaces glycine, which is neutral and non-polar, with serine, which is neutral and polar, at codon 372 of the NPHP4 protein (p.Gly372Ser). This variant is present in population databases (rs188020560, gnomAD 0.05%). This variant has not been reported in the literature in individuals affected with NPHP4-related conditions. ClinVar contains an entry for this variant (Variation ID: 290074). Advanced modeling of protein sequence and biophysical properties (such as structural, functional, and spatial information, amino acid conservation, physicochemical variation, residue mobility, and thermodynamic stability) performed at Invitae indicates that this missense variant is not expected to disrupt NPHP4 protein function with a negative predictive value of 80%. In summary, the available evidence is currently insufficient to determine the role of this variant in disease. Therefore, it has been classified as a Variant of Uncertain Significance.

Illumina Laboratory Services, Illumina
Classification: Uncertain significance for Nephronophthisis 4. Last evaluated: 2018-01-12. Review status: criteria provided, single submitter. Criteria: ICSL Variant Classification Criteria 13 December 2019. Collection method: clinical testing. Allele origin: germline.

Illumina Laboratory Services, Illumina
Classification: Uncertain significance for Senior-Loken syndrome 4. Last evaluated: 2018-01-12. Review status: criteria provided, single submitter. Criteria: ICSL Variant Classification Criteria 13 December 2019. Collection method: clinical testing. Allele origin: germline.

Eurofins Ntd Llc (ga)
Classification: Uncertain significance. Last evaluated: 2017-06-09. Review status: criteria provided, single submitter. Criteria: EGL Classification Definitions 2015. Collection method: clinical testing. Allele origin: germline. Observed: 2 variant alleles, 2 heterozygotes.

Department of Pathology and Laboratory Medicine, Sinai Health System
Classification: Uncertain significance. Review status: no assertion criteria provided. Collection method: clinical testing. Allele origin: unknown. Affected: yes. Study: The Canadian Open Genetics Repository (COGR). Not counted in ClinVar's aggregate classification.
Comment: The NPHP4 p.G372S variant was not identified in the literature but was identified in dbSNP (ID: rs188020560) and ClinVar (classified as uncertain significance by EGL Genetic Diagnostics, Invitae and Illumina). The variant was identified in control databases in 68 of 280704 chromosomes at a frequency of 0.0002422 (Genome Aggregation Database March 6, 2019, v2.1.1). The p.G372 residue is not conserved in mammals and computational analyses (MUT Assesor, PolyPhen-2, SIFT, MutationTaster, Revel, FATHMM, MetaLR, DANN) do not suggest a high likelihood of impact to the protein; however this information is not predictive enough to rule out pathogenicity. The variant occurs outside of the splicing consensus sequence and in silico or computational prediction software programs (Splice AI exome) do not predict a deleterious effect on splicing. In summary, based on the above information the clinical significance of this variant cannot be determined with certainty at this time. This variant is classified as a variant of uncertain significance.

NM_015102.5(NPHP4):c.1114G>A (p.Gly372Ser)

Gene: NPHP4 (nephrocystin 4; minus strand). Cytogenetic location: 1p36.31.
Variant type: single nucleotide variant.
Coding change: c.1114G>A on transcript NM_015102.5 (MANE Select); coding-DNA position 1114, G replaced by A.
Protein change: p.Gly372Ser; replaces glycine 372 with serine.
Molecular consequence: missense variant. On other transcripts: 5 prime UTR variant (2), non-coding transcript variant (1).
Genome position (GRCh38, 1-based): chr1:5,947,109, C>T on the plus strand (G>A on the coding strand, the complement: NPHP4 is on the minus strand). VCF-style: chr1-5947109-C-T. GRCh37 (hg19) VCF-style: chr1-6007169-C-T.
Other names: c.-253G>A (NM_001291593.2, NM_001291594.2); short protein forms G372S.
Identifiers: ClinVar variation 290074 (VCV000290074.20), dbSNP rs188020560, ClinGen allele CA554639.
Genomic context (GRCh38, chr1:5,947,109, plus strand): 5'-CTCACACACAGAGTTCACCACCAGAGGAAACCGAGTGCAAAAGGGCTGTTCTTACATTGC[C>T]GTCCACTCCTGCAGGGCTGCTGAACACGTACTCCAGCTGGAAGATGACCGCAAATGCAGG-3'
Protein context (NP_055917.1, residues 362-382): YVFSSPAGVD[Gly372Ser]NAASVTSLSN